The following is an entry in ClinVar:

ClinVar aggregate classification (germline): Uncertain significance. Review status: criteria provided, multiple submitters, no conflicts (2 of 4 stars). 2 submissions from 2 submitters: Uncertain significance (2). Last evaluated 2025-06-08.

Conditions:
Inborn genetic diseases. Identifiers: MedGen C0950123, MeSH D030342.

gnomAD v4.1: 4 of 1,529,256 alleles (0.00026%); highest among the groups gnomAD compares: Non-Finnish European, 0.00035%; no homozygotes.

Submissions (2):

Ambry Genetics
Classification: Uncertain significance for Inborn genetic diseases. Last evaluated: 2025-06-08. Review status: criteria provided, single submitter. Criteria: Ambry Variant Classification Scheme 2023. Collection method: clinical testing. Allele origin: germline.

Labcorp Genetics (formerly Invitae), Labcorp
Classification: Uncertain significance. Last evaluated: 2021-10-15. Review status: criteria provided, single submitter. Criteria: Invitae Variant Classification Sherloc (09022015). Collection method: clinical testing. Allele origin: germline.
Comment: This sequence change replaces glycine with serine at codon 884 of the EYS protein (p.Gly884Ser). The glycine residue is highly conserved and there is a small physicochemical difference between glycine and serine. This variant is not present in population databases (ExAC no frequency). This variant has not been reported in the literature in individuals with EYS-related conditions. Algorithms developed to predict the effect of missense changes on protein structure and function output the following: SIFT: "Deleterious"; PolyPhen-2: "Probably Damaging"; Align-GVGD: "Class C55". The serine amino acid residue is found in multiple mammalian species, suggesting that this missense change does not adversely affect protein function. These predictions have not been confirmed by published functional studies and their clinical significance is uncertain. In summary, the available evidence is currently insufficient to determine the role of this variant in disease. Therefore, it has been classified as a Variant of Uncertain Significance.

NM_001142800.2(EYS):c.2650G>A (p.Gly884Ser)

Gene: EYS (eyes shut homolog; minus strand). Cytogenetic location: 6q12.
Variant type: single nucleotide variant.
Coding change: c.2650G>A on transcript NM_001142800.2 (MANE Select); coding-DNA position 2650, G replaced by A.
Protein change: p.Gly884Ser; replaces glycine 884 with serine.
Molecular consequence: missense variant.
Genome position (GRCh38, 1-based): chr6:64,902,492, C>T on the plus strand (G>A on the coding strand, the complement: EYS is on the minus strand). VCF-style: chr6-64902492-C-T. GRCh37 (hg19) VCF-style: chr6-65612385-C-T.
Other names: c.2650G>A, p.Gly884Ser (NM_001292009.2); c.2650G>A (NM_001142800.1); short protein forms G884S.
Identifiers: ClinVar variation 2202054 (VCV002202054.2), dbSNP rs975091563, ClinGen allele CA140379045.